The following is an entry in ClinVar:

ClinVar aggregate classification (germline): Uncertain significance. Review status: criteria provided, multiple submitters, no conflicts (2 of 4 stars). 2 submissions from 2 submitters: Uncertain significance (2). Last evaluated 2025-12-16.

Conditions:
Inborn genetic diseases. Identifiers: MedGen C0950123, MeSH D030342.

Allele frequency attached by ClinVar (database versions not stated): TOPMed 0.00001.
gnomAD v4.1: 2 of 1,551,184 alleles (0.00013%); highest among the groups gnomAD compares: Non-Finnish European, 0.00017%; no homozygotes.

Submissions (2):

Ambry Genetics
Classification: Uncertain significance for Inborn genetic diseases. Last evaluated: 2025-12-16. Review status: criteria provided, single submitter. Criteria: Ambry Variant Classification Scheme 2023. Collection method: clinical testing. Allele origin: germline.

Labcorp Genetics (formerly Invitae), Labcorp
Classification: Uncertain significance. Last evaluated: 2021-08-27. Review status: criteria provided, single submitter. Criteria: Invitae Variant Classification Sherloc (09022015). Collection method: clinical testing. Allele origin: germline.
Comment: This sequence change replaces arginine with glycine at codon 26 of the COL7A1 protein (p.Arg26Gly). The arginine residue is moderately conserved and there is a moderate physicochemical difference between arginine and glycine. This variant is not present in population databases (ExAC no frequency). This variant has not been reported in the literature in individuals affected with COL7A1-related conditions. Algorithms developed to predict the effect of missense changes on protein structure and function output the following: SIFT: "Tolerated"; PolyPhen-2: "Not Available"; Align-GVGD: "Class C0". The glycine amino acid residue is found in multiple mammalian species, which suggests that this missense change does not adversely affect protein function. In summary, the available evidence is currently insufficient to determine the role of this variant in disease. Therefore, it has been classified as a Variant of Uncertain Significance.

NM_000094.4(COL7A1):c.76A>G (p.Arg26Gly)

Gene: COL7A1 (collagen type VII alpha 1 chain; minus strand). Cytogenetic location: 3p21.31.
Variant type: single nucleotide variant.
Coding change: c.76A>G on transcript NM_000094.4 (MANE Select); coding-DNA position 76, A replaced by G.
Protein change: p.Arg26Gly; replaces arginine 26 with glycine.
Molecular consequence: missense variant.
Genome position (GRCh38, 1-based): chr3:48,595,084, T>C on the plus strand (A>G on the coding strand, the complement: COL7A1 is on the minus strand). VCF-style: chr3-48595084-T-C. GRCh37 (hg19) VCF-style: chr3-48632517-T-C.
Other names: c.76A>G (NM_000094.3); short protein forms R26G.
Identifiers: ClinVar variation 1434983 (VCV001434983.6), dbSNP rs923284415, ClinGen allele CA73995060.